The following is an entry in ClinVar:

NM_030777.3:c.(1547+1_1548-1)_(*1_?)del

Gene: SLC2A10 (solute carrier family 2 member 10; plus strand).
Variant type: Deletion.
Identifiers: ClinVar variation 5037843 (VCV005037843.1).

ClinVar aggregate classification (germline): Uncertain significance (1 of 4 stars; one submission).

Conditions:
Cardiovascular phenotype. Identifiers: MedGen CN230736.

Submission:

Molecular Diagnostic Laboratory for Inherited Cardiovascular Disease, Montreal Heart Institute
Classification: Uncertain significance for Cardiovascular phenotype. Last evaluated: 2026-09-21. Review status: criteria provided, single submitter. Criteria: ACMG Guidelines, 2015. Collection method: clinical testing. Allele origin: germline. Affected: yes.
Comment: PVS1_mod, PM2